The following is an entry in ClinVar:

ClinVar aggregate classification (germline): Likely benign (1 of 4 stars; one submission).

Conditions:
Breast-ovarian cancer, familial, susceptibility to, 1 (BROVCA1). Also called: OVARIAN CANCER, SUSCEPTIBILITY TO; BRCA1 Hereditary Breast and Ovarian Cancer. Identifiers: Orphanet 145, MedGen C2676676, MONDO:0011450, OMIM 604370. Disease mechanism: loss of function.

gnomAD v4.1: 1 of 1,614,008 alleles (0.000062%); highest among the groups gnomAD compares: Non-Finnish European, 0.000085%; no homozygotes.

Submission:

Cancer Bioinformatics and Tumour Evolution Laboratory, Monash University
Classification: Likely benign for Breast-ovarian cancer, familial, susceptibility to, 1. Last evaluated: 2026-05-01. Review status: criteria provided, single submitter. Criteria: ClinGen BRCA1 and BRCA2 Guidelines, 2024. Collection method: curation. Allele origin: germline. Inheritance: Autosomal dominant inheritance.
Comment: Missense variant outside of a functional domain with no splice impact. BRCA1 and BRCA2 VCEP guidelines recommend application of BP1_Strong (PMID: 39142283). PMID: 39281752 - A large scale study to determine the case-control LR of BRCA1 and BRCA2 variants. The data was consolidated in the ccLR browser. This variant was found in the browser with a LR of 0.729950533 which is in the intermediate range according to the BRCA1 and BRCA2 VCEP. Hence, no evidence code applied.

Literature cited by the submitters: PubMed 39281752.

NM_007294.4(BRCA1):c.1613A>G (p.Gln538Arg)

Gene: BRCA1 (BRCA1 DNA repair associated; minus strand). Cytogenetic location: 17q21.31.
Variant type: single nucleotide variant.
Coding change: c.1613A>G on transcript NM_007294.4 (MANE Select); coding-DNA position 1613, A replaced by G.
Protein change: p.Gln538Arg; replaces glutamine 538 with arginine.
Molecular consequence: missense variant. On other transcripts: intron variant (137).
Genome position (GRCh38, 1-based): chr17:43,093,918, T>C on the plus strand (A>G on the coding strand, the complement: BRCA1 is on the minus strand). VCF-style: chr17-43093918-T-C. GRCh37 (hg19) VCF-style: chr17-41245935-T-C.
Other names: c.1610A>G, p.Gln537Arg (NM_001407637.1, NM_001407610.1, NM_001407611.1 and 22 more transcripts); c.787+826A>G (NM_001408404.1, NM_001408472.1, NM_001407990.1 and 19 more transcripts); c.577+826A>G (NM_001408492.1, NM_001408513.1, NM_001408489.1 and 9 more transcripts); c.643+826A>G (NM_001408468.1, NM_001408465.1, NM_001408463.1 and 3 more transcripts); c.523+826A>G (NM_001408501.1, NM_001408500.1, NM_001408497.1 and 3 more transcripts); c.646+826A>G (NM_001408455.1, NM_001408466.1, NM_001408452.1 and 11 more transcripts); c.520+826A>G (NM_001408503.1, NM_001408505.1, NM_001408504.1); c.404-2886A>G (NM_001408511.1); and 40 more; short protein forms Q242R, Q370R, Q410R, Q411R, Q426R, Q427R, Q449R, Q450R.
Identifiers: ClinVar variation 4856576 (VCV004856576.1).